The following is an entry in ClinVar:

NM_006231.4(POLE):c.4407del (p.Met1470fs)

Gene: POLE (DNA polymerase epsilon, catalytic subunit; minus strand). Cytogenetic location: 12q24.33.
Variant type: Deletion.
Coding change: c.4407del on transcript NM_006231.4 (MANE Select); coding-DNA position 4407, one base deleted (G; older notation c.4407delG).
Protein change: p.Met1470fs; shifts the reading frame from methionine 1470.
Molecular consequence: frameshift variant.
Genome position (GRCh38, 1-based): chr12:132,643,444, C deleted on the plus strand (G on the coding strand, the reverse complement: POLE is on the minus strand). VCF-style (leftmost placement, unchanged base first): chr12-132643443-TC-T. GRCh37 (hg19) VCF-style: chr12-133220029-TC-T.
Other names: short protein forms M1470fs.
Identifiers: ClinVar variation 3666375 (VCV003666375.2).

ClinVar aggregate classification (germline): Pathogenic (1 of 4 stars; one submission).

Submission:

Labcorp Genetics (formerly Invitae), Labcorp
Classification: Pathogenic. Last evaluated: 2025-04-07. Review status: criteria provided, single submitter. Criteria: Invitae Variant Classification Sherloc (09022015). Collection method: clinical testing. Allele origin: germline.
Comment: This sequence change creates a premature translational stop signal (p.Met1470Cysfs*92) in the POLE gene. It is expected to result in an absent or disrupted protein product. Loss-of-function variants in POLE are known to be pathogenic (PMID: 23230001, 25948378, 30503519). This variant is not present in population databases (gnomAD no frequency). This variant has not been reported in the literature in individuals affected with POLE-related conditions. ClinVar contains an entry for this variant (Variation ID: 3666375). Algorithms developed to predict the effect of sequence changes on RNA splicing suggest that this variant may disrupt the consensus splice site. For these reasons, this variant has been classified as Pathogenic.

Literature cited by the submitters: PubMed 23230001; PubMed 25948378; PubMed 30503519.